The following is an entry in ClinVar:

ClinVar aggregate classification (germline): Likely benign (1 of 4 stars; one submission).

Conditions:
MELAS syndrome (MELAS). Also called: Juvenile myopathy, encephalopathy, lactic acidosis, stroke. Identifiers: Orphanet 550, MedGen C0162671, MONDO:0010789, OMIM 540000.

Submission:

Wong Mito Lab, Molecular and Human Genetics, Baylor College of Medicine
Classification: Likely benign for MELAS syndrome. Last evaluated: 2019-07-12. Review status: criteria provided, single submitter. Criteria: Modified ACMG Guidelines (Unpublished). Collection method: clinical testing. Allele origin: germline.
Comment: The NC_012920.1:m.5876A>G variant in MT-TY gene is interpreted to be a Likely Benign variant based on the modified ACMG guidelines (unpublished). This variant meets the following evidence codes reported in the guidelines: BS1, BP4, BP6

Literature cited by the submitters: PubMed 31965079.

NC_012920.1(MT-TY):m.5876A>G

Gene: MT-TY (mitochondrially encoded tRNA tyrosine; minus strand).
Variant type: single nucleotide variant.
Genome position: chrM-5876-A-G.
Identifiers: ClinVar variation 690023 (VCV000690023.1), dbSNP rs1603220163, ClinGen allele CA913180740.